The following is an entry in ClinVar:

ClinVar aggregate classification (germline): Conflicting classifications of pathogenicity. Review status: criteria provided, conflicting classifications (1 of 4 stars). 3 submissions from 3 submitters: Uncertain significance (2); Likely benign (1). Last evaluated 2026-01-14.

Conditions:
Familial hypercholesterolemia. Also called: Familial hypercholesterolaemia; Familial hypercholesterolemias. Identifiers: MedGen C0020445, MONDO:0005439.
Cardiovascular phenotype. Identifiers: MedGen CN230736.
Hypercholesterolemia, autosomal dominant, 3 (FHCL3). Also called: Familial Hypercholesterolemia, Autosomal Dominant, 3; Familial hypercholesterolemia 3; PCSK9-Related Familial Hypercholesterolemia, Autosomal Dominant. Identifiers: MedGen C1863551, MONDO:0011369, OMIM 603776.

Submissions (3):

Ambry Genetics
Classification: Uncertain significance for Cardiovascular phenotype. Last evaluated: 2026-01-14. Review status: criteria provided, single submitter. Criteria: Ambry Variant Classification Scheme 2023. Collection method: clinical testing. Allele origin: germline.
Comment: The c.554_558delTAGAC variant, located in coding exon 4 of the PCSK9 gene, results from a deletion of 5 nucleotides at nucleotide positions 554 to 558, causing a translational frameshift with a predicted alternate stop codon (p.L185Hfs*6). This alteration is expected to result in loss of function by premature protein truncation or nonsense-mediated mRNA decay. However, loss of function has not been established as a mechanism of disease. Based on the available evidence, the clinical significance of this alteration remains unclear.

Labcorp Genetics (formerly Invitae), Labcorp
Classification: Uncertain significance for Hypercholesterolemia, autosomal dominant, 3. Last evaluated: 2023-07-19. Review status: criteria provided, single submitter. Criteria: Invitae Variant Classification Sherloc (09022015). Collection method: clinical testing. Allele origin: germline.
Comment: This sequence change creates a premature translational stop signal (p.Leu185Hisfs*6) in the PCSK9 gene. It is expected to result in an absent or disrupted protein product. However, the current clinical and genetic evidence is not sufficient to establish whether loss-of-function variants in PCSK9 cause disease. This variant is not present in population databases (gnomAD no frequency). This variant has not been reported in the literature in individuals affected with PCSK9-related conditions. ClinVar contains an entry for this variant (Variation ID: 1171159). In summary, the available evidence is currently insufficient to determine the role of this variant in disease. Therefore, it has been classified as a Variant of Uncertain Significance.

Color Diagnostics, LLC DBA Color Health
Classification: Likely benign for Familial hypercholesterolemia. Last evaluated: 2020-11-11. Review status: criteria provided, single submitter. Criteria: ACMG Guidelines, 2015. Collection method: clinical testing. Allele origin: germline.

NM_174936.4(PCSK9):c.554_558del (p.Leu185fs)

Gene: PCSK9 (proprotein convertase subtilisin/kexin type 9; plus strand). Cytogenetic location: 1p32.3.
Variant type: Deletion.
Coding change: c.554_558del on transcript NM_174936.4 (MANE Select); coding-DNA positions 554 to 558, 5 bases deleted (TAGAC; older notation c.554_558delTAGAC).
Protein change: p.Leu185fs; shifts the reading frame from leucine 185.
Molecular consequence: frameshift variant.
Genome position (GRCh38, 1-based): chr1:55,052,308-55,052,312, TAGAC deleted; deleting any 5 consecutive bases within chr1:55,052,307-55,052,312 gives the same sequence; the c. name uses the placement nearest the transcript's 3' end. VCF-style (leftmost placement, unchanged base first): chr1-55052306-CCTAGA-C. GRCh37 (hg19) VCF-style: chr1-55517979-CCTAGA-C.
Other names: c.677_681delTAGAC, p.Leu226Hisfs (NM_001407240.1); c.554_558delTAGAC, p.Leu185Hisfs (NM_001407241.1, NM_001407242.1, NM_001407244.1 and 1 more transcripts); c.497_501delTAGAC, p.Leu166Hisfs (NM_001407243.1); c.362_366delTAGAC, p.Leu121Hisfs (NM_001407245.1); c.179_183delTAGAC, p.Leu60Hisfs (NM_001407246.1); short protein forms L185fs.
Identifiers: ClinVar variation 1171159 (VCV001171159.7), dbSNP rs1644680378, ClinGen allele CA418180839.
Genomic context (GRCh38, chr1:55,052,306, plus strand): 5'-CCCTCCTCTCCCACAAATGTCGCCTTGGAAAGACGGAGGCAGCCTGGTGGAGGTGTATCT[CCTAGA>C]CACCAGCATACAGAGTGACCACCGGGAAATCGAGGGCAGGGTCATGGTCACCGACTTCGA-3'